The following is an entry in ClinVar:

NM_004595.5(SMS):c.700C>T (p.Arg234Ter)

Gene: SMS (spermine synthase; plus strand). Cytogenetic location: Xp22.11.
Variant type: single nucleotide variant.
Coding change: c.700C>T on transcript NM_004595.5 (MANE Select); coding-DNA position 700, C replaced by T.
Protein change: p.Arg234Ter; replaces arginine 234 with a stop codon.
Molecular consequence: nonsense.
Genome position (GRCh38, 1-based): chrX:21,978,916, C>T. VCF-style: chrX-21978916-C-T. GRCh37 (hg19) VCF-style: chrX-21997034-C-T.
Other names: c.700C>T (NM_004595.2); c.541C>T, p.Arg181Ter (NM_001258423.2); short protein forms R234*, R181*.
Identifiers: ClinVar variation 2248418 (VCV002248418.4), dbSNP rs2519671183, ClinGen allele CA412569058.
Genomic context (GRCh38, chrX:21,978,916, plus strand): 5'-TCTCCTTAACCTGTTGCGGACATTGACCAAATGGTGATTGATGGGTGTAAGAAATACATG[C>T]GAAAAACGTGTGGCGATGTCTTAGACAATCTTAAAGGAGACTGCTATCAGGTAATTGTTT-3'

ClinVar aggregate classification (germline): Pathogenic/Likely pathogenic. Review status: criteria provided, multiple submitters, no conflicts (2 of 4 stars). 3 submissions from 3 submitters: Pathogenic (1); Likely pathogenic (2). Last evaluated 2026-03-24.

Conditions:
Intellectual developmental disorder, X-linked, syndromic, Snyder-Robinson type. Also called: X-linked mental retardation Snyder - Robinson type; Syndromic X-linked intellectual disability Snyder type; Spermine synthase deficiency; SNYDER-ROBINSON MENTAL RETARDATION SYNDROME. Identifiers: Orphanet 3063, MedGen C0796160, MONDO:0010664, OMIM 309583.
Inborn genetic diseases. Identifiers: MedGen C0950123, MeSH D030342.

Submissions (3):

GeneDx
Classification: Likely pathogenic. Last evaluated: 2026-03-24. Review status: criteria provided, single submitter. Criteria: GeneDx Variant Classification Process June 2021. Collection method: clinical testing. Allele origin: germline.
Comment: Nonsense variant predicted to result in protein truncation or nonsense mediated decay in a gene for which loss of function is a known mechanism of disease; Not observed at significant frequency in large population cohorts (gnomAD); Has not been previously published as pathogenic or benign to our knowledge

Baylor Genetics
Classification: Likely pathogenic for Intellectual developmental disorder, X-linked, syndromic, Snyder-Robinson type. Last evaluated: 2023-07-26. Review status: criteria provided, single submitter. Criteria: ACMG Guidelines, 2015. Collection method: clinical testing. Allele origin: unknown.

Ambry Genetics
Classification: Pathogenic for Inborn genetic diseases. Last evaluated: 2022-02-22. Review status: criteria provided, single submitter. Criteria: Ambry Variant Classification Scheme 2023. Collection method: clinical testing. Allele origin: germline.
Comment: The c.700C>T (p.R234*) alteration, located in exon 7 (coding exon 7) of the SMS gene, consists of a C to T substitution at nucleotide position 700. This changes the amino acid from an arginine (R) to a stop codon at amino acid position 234. This alteration is expected to result in loss of function by premature protein truncation or nonsense-mediated mRNA decay. This variant was not reported in population-based cohorts in the Genome Aggregation Database (gnomAD). Based on the available evidence, this alteration is classified as pathogenic.